The following is an entry in ClinVar:

NM_014921.5(ADGRL1):c.2923A>G (p.Ile975Val)

Genes: ADGRL1 (adhesion G protein-coupled receptor L1; minus strand), ADGRL1-AS1 (ADGRL1 antisense RNA 1; plus strand). Cytogenetic location: 19p13.12.
Variant type: single nucleotide variant.
Coding change: c.2923A>G on transcript NM_014921.5 (MANE Select); coding-DNA position 2923, A replaced by G.
Protein change: p.Ile975Val; replaces isoleucine 975 with valine.
Molecular consequence: missense variant.
Genome position (GRCh38, 1-based): chr19:14,156,968, T>C on the plus strand (A>G on the coding strand, the complement: ADGRL1 is on the minus strand). VCF-style: chr19-14156968-T-C. GRCh37 (hg19) VCF-style: chr19-14267780-T-C.
Other names: c.2938A>G, p.Ile980Val (NM_001008701.3); short protein forms I980V, I975V.
Identifiers: ClinVar variation 3087203 (VCV003087203.5), dbSNP rs61741129, ClinGen allele CA9250285.
Genomic context (GRCh38, chr19:14,156,968, plus strand): 5'-GGGAGGTGGAAACTCACGCCTTCTCGGTGCCGTAGCTGCGGTAGTCAATGGCAGCCGCGA[T>C]GCCCACCACCAGGGCCGGGAAGCAGTAGCCACCCAGGTAGTAGTACTTGGTGCGGGAATA-3'
Protein context (NP_055736.2, residues 965-985): GYCFPALVVG[Ile975Val]AAAIDYRSYG

ClinVar aggregate classification (germline): Conflicting classifications of pathogenicity. Review status: criteria provided, conflicting classifications (1 of 4 stars). 2 submissions from 2 submitters: Uncertain significance (1); Likely benign (1). Last evaluated 2026-08-01.

Conditions:
Inborn genetic diseases. Identifiers: MedGen C0950123, MeSH D030342.

Allele frequency attached by ClinVar (database versions not stated): TOPMed 0.00100; ESP Exome Variant Server 0.00115; gnomAD 0.00085; ExAC 0.00088; gnomAD exomes 0.00149.
gnomAD v4.1: 2,295 of 1,613,302 alleles (0.14%); highest among the groups gnomAD compares: Non-Finnish European, 0.18%; 5 homozygotes.

Submissions (2):

CeGaT Center for Human Genetics Tuebingen
Classification: Likely benign. Last evaluated: 2026-08-01. Review status: criteria provided, single submitter. Criteria: CeGaT Center For Human Genetics Tuebingen Variant Classification Criteria Version 2. Collection method: clinical testing. Allele origin: germline. Affected: yes. Observed: 2 variant alleles.
Comment: ADGRL1: BS1

Ambry Genetics
Classification: Uncertain significance for Inborn genetic diseases. Last evaluated: 2021-07-09. Review status: criteria provided, single submitter. Criteria: Ambry Variant Classification Scheme 2023. Collection method: clinical testing. Allele origin: germline.